The following is an entry in ClinVar:

ClinVar aggregate classification (germline): Uncertain significance (1 of 4 stars; one submission).

Conditions:
Hereditary cancer-predisposing syndrome. Also called: Neoplastic Syndromes, Hereditary; Tumor predisposition; Hereditary Cancer Syndrome; Hereditary neoplastic syndrome. Identifiers: Orphanet 140162, MedGen C0027672, MeSH D009386, MONDO:0015356.

Allele frequency attached by ClinVar (database versions not stated): TOPMed below 0.00001.

Submission:

Ambry Genetics
Classification: Uncertain significance for Hereditary cancer-predisposing syndrome. Last evaluated: 2025-06-09. Review status: criteria provided, single submitter. Criteria: Ambry Variant Classification Scheme 2023. Collection method: clinical testing. Allele origin: germline.
Comment: The p.S605F variant (also known as c.1814C>T), located in coding exon 13 of the MSH3 gene, results from a C to T substitution at nucleotide position 1814. The serine at codon 605 is replaced by phenylalanine, an amino acid with highly dissimilar properties. This amino acid position is conserved. In addition, this alteration is predicted to be deleterious by in silico analysis. Since supporting evidence is limited at this time, the clinical significance of this alteration remains unclear.

NM_002439.5(MSH3):c.1814C>T (p.Ser605Phe)

Gene: MSH3 (mutS homolog 3; plus strand). Cytogenetic location: 5q14.1.
Variant type: single nucleotide variant.
Coding change: c.1814C>T on transcript NM_002439.5 (MANE Select); coding-DNA position 1814, C replaced by T.
Protein change: p.Ser605Phe; replaces serine 605 with phenylalanine.
Molecular consequence: missense variant.
Genome position (GRCh38, 1-based): chr5:80,761,596, C>T. VCF-style: chr5-80761596-C-T. GRCh37 (hg19) VCF-style: chr5-80057415-C-T.
Other names: short protein forms S605F.
Identifiers: ClinVar variation 1780641 (VCV001780641.3), dbSNP rs1406056254, ClinGen allele CA360276570.
Genomic context (GRCh38, chr5:80,761,596, plus strand): 5'-TTTCTCACAGGGAAATAAATGCCCGGCTTGATGCTGTATCGGAAGTTCTCCATTCAGAAT[C>T]TAGTGTGTTTGGTCAGATAGAAAATCATCTACGTAAATTGCCCGACATAGAGAGGGGACT-3'
Protein context (NP_002430.3, residues 595-615): DAVSEVLHSE[Ser605Phe]SVFGQIENHL